The following is an entry in ClinVar:

ClinVar aggregate classification (germline): Uncertain significance. Review status: criteria provided, multiple submitters, no conflicts (2 of 4 stars). 2 submissions from 2 submitters: Uncertain significance (2). Last evaluated 2025-11-24.

Allele frequency attached by ClinVar (database versions not stated): ExAC 0.00001; gnomAD exomes 0.00001; TOPMed 0.00002; gnomAD 0.00003; ESP Exome Variant Server 0.00008; 1000 Genomes Project 30x 0.00016; 1000 Genomes Project 0.00020.
gnomAD v4.1: 14 of 1,614,054 alleles (0.00087%); highest among the groups gnomAD compares: African/African-American, 0.016%; no homozygotes.

Submissions (2):

Ambry Genetics
Classification: Uncertain significance. Last evaluated: 2025-11-24. Review status: criteria provided, single submitter. Criteria: Ambry Variant Classification Scheme 2023. Collection method: clinical testing. Allele origin: germline.

Labcorp Genetics (formerly Invitae), Labcorp
Classification: Uncertain significance. Last evaluated: 2024-04-22. Review status: criteria provided, single submitter. Criteria: Invitae Variant Classification Sherloc (09022015). Collection method: clinical testing. Allele origin: germline.
Comment: This sequence change replaces cysteine, which is neutral and slightly polar, with arginine, which is basic and polar, at codon 3118 of the FAT2 protein (p.Cys3118Arg). This variant is present in population databases (rs370985957, gnomAD 0.01%). This variant has not been reported in the literature in individuals affected with FAT2-related conditions. Advanced modeling of protein sequence and biophysical properties (such as structural, functional, and spatial information, amino acid conservation, physicochemical variation, residue mobility, and thermodynamic stability) performed at Invitae indicates that this missense variant is not expected to disrupt FAT2 protein function with a negative predictive value of 80%. In summary, the available evidence is currently insufficient to determine the role of this variant in disease. Therefore, it has been classified as a Variant of Uncertain Significance.

NM_001447.3(FAT2):c.9352T>C (p.Cys3118Arg)

Genes: FAT2 (FAT atypical cadherin 2; minus strand), SLC36A1 (solute carrier family 36 member 1; plus strand). Cytogenetic location: 5q33.1.
Variant type: single nucleotide variant.
Coding change: c.9352T>C on transcript NM_001447.3 (MANE Select); coding-DNA position 9352, T replaced by C.
Protein change: p.Cys3118Arg; replaces cysteine 3118 with arginine.
Molecular consequence: missense variant.
Genome position (GRCh38, 1-based): chr5:151,534,484, A>G on the plus strand (T>C on the coding strand, the complement: FAT2 is on the minus strand). VCF-style: chr5-151534484-A-G. GRCh37 (hg19) VCF-style: chr5-150914045-A-G.
Other names: c.9352T>C (NM_001447.2); short protein forms C3118R.
Identifiers: ClinVar variation 2862879 (VCV002862879.4), dbSNP rs370985957, ClinGen allele CA3520581.